The following is an entry in ClinVar:

NM_001145026.2(PTPRQ):c.1826T>C (p.Leu609Ser)

Gene: PTPRQ (protein tyrosine phosphatase receptor type Q; plus strand). Cytogenetic location: 12q21.31.
Variant type: single nucleotide variant.
Coding change: c.1826T>C on transcript NM_001145026.2 (MANE Select); coding-DNA position 1826, T replaced by C.
Protein change: p.Leu609Ser; replaces leucine 609 with serine.
Molecular consequence: missense variant.
Genome position (GRCh38, 1-based): chr12:80,495,315, T>C. VCF-style: chr12-80495315-T-C. GRCh37 (hg19) VCF-style: chr12-80889094-T-C.
Other names: short protein forms L609S.
Identifiers: ClinVar variation 4534311 (VCV004534311.6).

ClinVar aggregate classification (germline): Uncertain significance (1 of 4 stars; one submission).

gnomAD v4.1: 89 of 1,544,964 alleles (0.0058%); highest among the groups gnomAD compares: Non-Finnish European, 0.0077%; no homozygotes.

Submission:

CeGaT Center for Human Genetics Tuebingen
Classification: Uncertain significance. Last evaluated: 2025-10-01. Review status: criteria provided, single submitter. Criteria: CeGaT Center For Human Genetics Tuebingen Variant Classification Criteria Version 2. Collection method: clinical testing. Allele origin: germline. Affected: yes. Observed: 1 variant allele.
Comment: PTPRQ: PM2